The following is an entry in ClinVar:

ClinVar aggregate classification (germline): Uncertain significance. Review status: criteria provided, multiple submitters, no conflicts (2 of 4 stars). 2 submissions from 2 submitters: Uncertain significance (2). Last evaluated 2025-07-02.

Conditions:
Charcot-Marie-Tooth disease type 2. Also called: Charcot-Marie-Tooth type 2. Identifiers: Orphanet 64746, MedGen C0270914, MONDO:0018993.
Inborn genetic diseases. Identifiers: MedGen C0950123, MeSH D030342.

gnomAD v4.1: 5 of 1,613,968 alleles (0.00031%); highest among the groups gnomAD compares: Admixed American, 0.0017%; no homozygotes.

Submissions (2):

Labcorp Genetics (formerly Invitae), Labcorp
Classification: Uncertain significance for Charcot-Marie-Tooth disease type 2. Last evaluated: 2025-07-02. Review status: criteria provided, single submitter. Criteria: Invitae Variant Classification Sherloc (09022015). Collection method: clinical testing. Allele origin: germline.
Comment: This sequence change replaces asparagine, which is neutral and polar, with aspartic acid, which is acidic and polar, at codon 210 of the AARS protein (p.Asn210Asp). This variant is not present in population databases (gnomAD no frequency). This variant has not been reported in the literature in individuals affected with AARS-related conditions. ClinVar contains an entry for this variant (Variation ID: 3825331). Invitae Evidence Modeling of protein sequence and biophysical properties (such as structural, functional, and spatial information, amino acid conservation, physicochemical variation, residue mobility, and thermodynamic stability) indicates that this missense variant is not expected to disrupt AARS protein function with a negative predictive value of 95%. In summary, the available evidence is currently insufficient to determine the role of this variant in disease. Therefore, it has been classified as a Variant of Uncertain Significance.

Ambry Genetics
Classification: Uncertain significance for Inborn genetic diseases. Last evaluated: 2025-02-19. Review status: criteria provided, single submitter. Criteria: Ambry Variant Classification Scheme 2023. Collection method: clinical testing. Allele origin: germline.

NM_001605.3(AARS1):c.628A>G (p.Asn210Asp)

Gene: AARS1 (alanyl-tRNA synthetase 1; minus strand). Cytogenetic location: 16q22.1.
Variant type: single nucleotide variant.
Coding change: c.628A>G on transcript NM_001605.3 (MANE Select); coding-DNA position 628, A replaced by G.
Protein change: p.Asn210Asp; replaces asparagine 210 with aspartic acid.
Molecular consequence: missense variant.
Genome position (GRCh38, 1-based): chr16:70,271,824, T>C on the plus strand (A>G on the coding strand, the complement: AARS1 is on the minus strand). VCF-style: chr16-70271824-T-C. GRCh37 (hg19) VCF-style: chr16-70305727-T-C.
Other names: short protein forms N210D.
Identifiers: ClinVar variation 3825331 (VCV003825331.2).